The following is an entry in ClinVar:

ClinVar aggregate classification (germline): Uncertain significance (1 of 4 stars; one submission).

Allele frequency attached by ClinVar (database versions not stated): ExAC 0.00001; gnomAD exomes 0.00001.
gnomAD v4.1: 4 of 1,614,116 alleles (0.00025%); highest among the groups gnomAD compares: South Asian, 0.0044%; no homozygotes.

Submission:

Labcorp Genetics (formerly Invitae), Labcorp
Classification: Uncertain significance. Last evaluated: 2023-10-24. Review status: criteria provided, single submitter. Criteria: Invitae Variant Classification Sherloc (09022015). Collection method: clinical testing. Allele origin: germline.
Comment: This sequence change replaces lysine, which is basic and polar, with arginine, which is basic and polar, at codon 168 of the INTU protein (p.Lys168Arg). This variant is present in population databases (rs752701739, gnomAD 0.006%). This variant has not been reported in the literature in individuals affected with INTU-related conditions. Advanced modeling of protein sequence and biophysical properties (such as structural, functional, and spatial information, amino acid conservation, physicochemical variation, residue mobility, and thermodynamic stability) performed at Invitae indicates that this missense variant is not expected to disrupt INTU protein function with a negative predictive value of 80%. In summary, the available evidence is currently insufficient to determine the role of this variant in disease. Therefore, it has been classified as a Variant of Uncertain Significance.

NM_015693.4(INTU):c.503A>G (p.Lys168Arg)

Gene: INTU (inturned planar cell polarity protein; plus strand). Cytogenetic location: 4q28.1.
Variant type: single nucleotide variant.
Coding change: c.503A>G on transcript NM_015693.4 (MANE Select); coding-DNA position 503, A replaced by G.
Protein change: p.Lys168Arg; replaces lysine 168 with arginine.
Molecular consequence: missense variant.
Genome position (GRCh38, 1-based): chr4:127,643,877, A>G. VCF-style: chr4-127643877-A-G. GRCh37 (hg19) VCF-style: chr4-128565032-A-G.
Other names: short protein forms K168R.
Identifiers: ClinVar variation 2958752 (VCV002958752.3), dbSNP rs752701739, ClinGen allele CA3074805.
Genomic context (GRCh38, chr4:127,643,877, plus strand): 5'-AGAAGACAGGAGTCATTGTCCAACAGCGATACAAAGATGTGAATGTTTATGTAAACCCCA[A>G]AAAGCTAACTGTTATCAAAGCCAAAGAGCAGCTCAAGCTTCTGGAAGTGCTGGTTGGAAT-3'
Protein context (NP_056508.2, residues 158-178): YKDVNVYVNP[Lys168Arg]KLTVIKAKEQ